The following is an entry in ClinVar:

ClinVar aggregate classification (germline): Uncertain significance (1 of 4 stars; one submission).

Conditions:
Spastic paraplegia. Identifiers: MedGen C0037772, HP:0001258.

Allele frequency attached by ClinVar (database versions not stated): ExAC 0.00001; gnomAD exomes 0.00001 and 0.00003; ESP Exome Variant Server 0.00008.
gnomAD v4.1: 15 of 1,609,664 alleles (0.00093%); highest among the groups gnomAD compares: Non-Finnish European, 0.0013%; no homozygotes.

Submission:

Labcorp Genetics (formerly Invitae), Labcorp
Classification: Uncertain significance for Spastic paraplegia. Last evaluated: 2020-11-14. Review status: criteria provided, single submitter. Criteria: Invitae Variant Classification Sherloc (09022015). Collection method: clinical testing. Allele origin: germline.
Comment: This sequence change replaces alanine with threonine at codon 168 of the CYP2U1 protein (p.Ala168Thr). The alanine residue is highly conserved and there is a small physicochemical difference between alanine and threonine. In summary, the available evidence is currently insufficient to determine the role of this variant in disease. Therefore, it has been classified as a Variant of Uncertain Significance. Advanced modeling of protein sequence and biophysical properties (such as structural, functional, and spatial information, amino acid conservation, physicochemical variation, residue mobility, and thermodynamic stability) performed at Invitae indicates that this missense variant is not expected to disrupt CYP2U1 protein function. This variant has not been reported in the literature in individuals with CYP2U1-related conditions. This variant is present in population databases (rs369682117, ExAC 0.002%).

NM_183075.3(CYP2U1):c.502G>A (p.Ala168Thr)

Gene: CYP2U1 (cytochrome P450 family 2 subfamily U member 1; plus strand). Cytogenetic location: 4q25.
Variant type: single nucleotide variant.
Coding change: c.502G>A on transcript NM_183075.3 (MANE Select); coding-DNA position 502, G replaced by A.
Protein change: p.Ala168Thr; replaces alanine 168 with threonine.
Molecular consequence: missense variant.
Genome position (GRCh38, 1-based): chr4:107,944,981, G>A. VCF-style: chr4-107944981-G-A. GRCh37 (hg19) VCF-style: chr4-108866137-G-A.
Other names: short protein forms A168T.
Identifiers: ClinVar variation 1423019 (VCV001423019.6), dbSNP rs369682117, ClinGen allele CA3037017.